The following is an entry in ClinVar:

ClinVar aggregate classification (germline): Uncertain significance (1 of 4 stars; one submission).

Conditions:
Hereditary cancer-predisposing syndrome. Also called: Neoplastic Syndromes, Hereditary; Tumor predisposition; Hereditary Cancer Syndrome; Hereditary neoplastic syndrome. Identifiers: Orphanet 140162, MedGen C0027672, MeSH D009386, MONDO:0015356.

Submission:

Ambry Genetics
Classification: Uncertain significance for Hereditary cancer-predisposing syndrome. Last evaluated: 2026-04-14. Review status: criteria provided, single submitter. Criteria: Ambry Variant Classification Scheme 2023. Collection method: clinical testing. Allele origin: germline.
Comment: The p.E363K variant (also known as c.1087G>A), located in coding exon 7 of the MEN1 gene, results from a G to A substitution at nucleotide position 1087. The glutamic acid at codon 363 is replaced by lysine, an amino acid with similar properties. This amino acid position is highly conserved in available vertebrate species. In addition, this alteration is predicted to be deleterious by in silico analysis. Based on the available evidence, the clinical significance of this variant remains unclear.

NM_001370259.2(MEN1):c.1087G>A (p.Glu363Lys)

Gene: MEN1 (menin 1; minus strand). Cytogenetic location: 11q13.1.
Variant type: single nucleotide variant.
Coding change: c.1087G>A on transcript NM_001370259.2 (MANE Select); coding-DNA position 1087, G replaced by A.
Protein change: p.Glu363Lys; replaces glutamic acid 363 with lysine.
Molecular consequence: missense variant. On other transcripts: non-coding transcript variant (4).
Genome position (GRCh38, 1-based): chr11:64,805,733, C>T on the plus strand (G>A on the coding strand, the complement: MEN1 is on the minus strand). VCF-style: chr11-64805733-C-T. GRCh37 (hg19) VCF-style: chr11-64573205-C-T.
Other names: c.1213G>A, p.Glu405Lys (NM_001407144.1, NM_001370251.2, NM_001407142.1 and 1 more transcripts); c.1102G>A, p.Glu368Lys (NM_001407145.1, NM_000244.4, NM_130800.3 and 4 more transcripts); c.1087G>A, p.Glu363Lys (NM_001407146.1, NM_001407147.1, NM_001407152.1 and 3 more transcripts); c.982G>A, p.Glu328Lys (NM_001407148.1, NM_001407149.1, NM_001370262.2 and 1 more transcripts); c.1228G>A, p.Glu410Lys (NM_001407150.1); c.1108G>A, p.Glu370Lys (NM_001407151.1); short protein forms E328K, E363K, E368K, E370K, E405K, E410K.
Identifiers: ClinVar variation 4859900 (VCV004859900.1).